The following is an entry in ClinVar:

NM_001371279.1(REEP1):c.567del (p.Ser190fs)

Gene: REEP1 (receptor accessory protein 1; minus strand). Cytogenetic location: 2p11.2.
Variant type: Deletion.
Coding change: c.567del on transcript NM_001371279.1 (MANE Select); coding-DNA position 567, one base deleted (G; older notation c.567delG).
Protein change: p.Ser190fs; shifts the reading frame from serine 190.
Molecular consequence: frameshift variant. On other transcripts: intron variant (1).
Genome position (GRCh38, 1-based): chr2:86,232,653, C deleted on the plus strand (G on the coding strand, the reverse complement: REEP1 is on the minus strand); the first of 2 consecutive C bases (chr2:86,232,653-86,232,654); deleting either gives the same sequence. VCF-style (leftmost placement, unchanged base first): chr2-86232652-TC-T. GRCh37 (hg19) VCF-style: chr2-86459775-TC-T.
Other names: c.588del, p.Ser197fs (NM_001164730.2); c.486del, p.Ser163fs (NM_001164731.2); c.332del, p.Gly111fs (NM_001164732.2); c.567del, p.Ser190fs (NM_022912.3); c.418-15543del (NM_001371280.1); short protein forms S190fs, S197fs, G111fs, S163fs.
Identifiers: ClinVar variation 1523171 (VCV001523171.6), dbSNP rs2104051526, ClinGen allele CA2573135981.

ClinVar aggregate classification (germline): Uncertain significance (1 of 4 stars; one submission).

Conditions:
Hereditary spastic paraplegia 31. Also called: SPASTIC PARAPLEGIA 31, AUTOSOMAL DOMINANT. Identifiers: Orphanet 101011, MedGen C1853247, MONDO:0012453, OMIM 610250.

Submission:

Labcorp Genetics (formerly Invitae), Labcorp
Classification: Uncertain significance for Hereditary spastic paraplegia 31. Last evaluated: 2023-06-17. Review status: criteria provided, single submitter. Criteria: Invitae Variant Classification Sherloc (09022015). Collection method: clinical testing. Allele origin: germline.
Comment: This variant has not been reported in the literature in individuals affected with REEP1-related conditions. In summary, the available evidence is currently insufficient to determine the role of this variant in disease. Therefore, it has been classified as a Variant of Uncertain Significance. Experimental studies and prediction algorithms are not available or were not evaluated, and the functional significance of this variant is currently unknown. ClinVar contains an entry for this variant (Variation ID: 1523171). This variant is not present in population databases (gnomAD no frequency). This sequence change results in a frameshift in the REEP1 gene (p.Ser190Valfs*33). While this is not anticipated to result in nonsense mediated decay, it is expected to disrupt the last 12 amino acid(s) of the REEP1 protein and extend the protein by 20 additional amino acid residues.